The following is an entry in ClinVar:

ClinVar aggregate classification (germline): Uncertain significance (1 of 4 stars; one submission).

Conditions:
Familial temporal lobe epilepsy 7. Identifiers: Orphanet 101046, MedGen C4225327, MONDO:0014639, OMIM 616436.
Norman-Roberts syndrome (LIS2). Also called: Lissencephaly 2 (Norman-Roberts type). Identifiers: Orphanet 89844, MedGen C0796089, MONDO:0009760, OMIM 257320.

Submission:

Labcorp Genetics (formerly Invitae), Labcorp
Classification: Uncertain significance for Familial temporal lobe epilepsy 7; Norman-Roberts syndrome. Last evaluated: 2023-07-25. Review status: criteria provided, single submitter. Criteria: Invitae Variant Classification Sherloc (09022015). Collection method: clinical testing. Allele origin: germline.
Comment: In summary, the available evidence is currently insufficient to determine the role of this variant in disease. Therefore, it has been classified as a Variant of Uncertain Significance. Advanced modeling of protein sequence and biophysical properties (such as structural, functional, and spatial information, amino acid conservation, physicochemical variation, residue mobility, and thermodynamic stability) performed at Invitae indicates that this missense variant is not expected to disrupt RELN protein function. This variant has not been reported in the literature in individuals affected with RELN-related conditions. This variant is not present in population databases (gnomAD no frequency). This sequence change replaces alanine, which is neutral and non-polar, with valine, which is neutral and non-polar, at codon 261 of the RELN protein (p.Ala261Val).

NM_005045.4(RELN):c.782C>T (p.Ala261Val)

Gene: RELN (reelin; minus strand). Cytogenetic location: 7q22.1.
Variant type: single nucleotide variant.
Coding change: c.782C>T on transcript NM_005045.4 (MANE Select); coding-DNA position 782, C replaced by T.
Protein change: p.Ala261Val; replaces alanine 261 with valine.
Molecular consequence: missense variant.
Genome position (GRCh38, 1-based): chr7:103,723,163, G>A on the plus strand (C>T on the coding strand, the complement: RELN is on the minus strand). VCF-style: chr7-103723163-G-A. GRCh37 (hg19) VCF-style: chr7-103363610-G-A.
Other names: c.782C>T, p.Ala261Val (NM_173054.3); short protein forms A261V.
Identifiers: ClinVar variation 2936200 (VCV002936200.3), dbSNP rs1790120034, ClinGen allele CA368928766.